The following is an entry in ClinVar:

ClinVar aggregate classification (germline): Uncertain significance (1 of 4 stars; one submission).

Conditions:
Hepatic methionine adenosyltransferase deficiency. Also called: Deficiency of methionine adenosyltransferase; Isolated Persistent Hypermethioninemia; MAT I/III DEFICIENCY; Methionine adenosyltransferase deficiency. Identifiers: Orphanet 168598, MedGen C0268621, MeSH C564683, MONDO:0009607, OMIM 250850.

gnomAD v4.1: 25 of 1,614,190 alleles (0.0015%); highest among the groups gnomAD compares: South Asian, 0.023%; no homozygotes.

Submission:

Labcorp Genetics (formerly Invitae), Labcorp
Classification: Uncertain significance for Hepatic methionine adenosyltransferase deficiency. Last evaluated: 2024-04-25. Review status: criteria provided, single submitter. Criteria: Invitae Variant Classification Sherloc (09022015). Collection method: clinical testing. Allele origin: germline.
Comment: This sequence change replaces leucine, which is neutral and non-polar, with methionine, which is neutral and non-polar, at codon 236 of the MAT1A protein (p.Leu236Met). This variant is present in population databases (rs747987000, gnomAD 0.03%). This variant has not been reported in the literature in individuals affected with MAT1A-related conditions. Advanced modeling of protein sequence and biophysical properties (such as structural, functional, and spatial information, amino acid conservation, physicochemical variation, residue mobility, and thermodynamic stability) performed at Invitae indicates that this missense variant is not expected to disrupt MAT1A protein function with a negative predictive value of 80%. In summary, the available evidence is currently insufficient to determine the role of this variant in disease. Therefore, it has been classified as a Variant of Uncertain Significance.

NM_000429.3(MAT1A):c.706C>A (p.Leu236Met)

Gene: MAT1A (methionine adenosyltransferase 1A; minus strand). Cytogenetic location: 10q22.3.
Variant type: single nucleotide variant.
Coding change: c.706C>A on transcript NM_000429.3 (MANE Select); coding-DNA position 706, C replaced by A.
Protein change: p.Leu236Met; replaces leucine 236 with methionine.
Molecular consequence: missense variant.
Genome position (GRCh38, 1-based): chr10:80,276,438, G>T on the plus strand (C>A on the coding strand, the complement: MAT1A is on the minus strand). VCF-style: chr10-80276438-G-T. GRCh37 (hg19) VCF-style: chr10-82036194-G-T.
Other names: short protein forms L236M.
Identifiers: ClinVar variation 3707515 (VCV003707515.2).